The following is an entry in ClinVar:

ClinVar aggregate classification (germline): Uncertain significance (1 of 4 stars; one submission).

Conditions:
Epilepsy, X-linked 1, with variable learning disabilities and behavior disorders. Also called: X-linked epilepsy-learning disabilities-behavior disorders syndrome. Identifiers: Orphanet 85294, MedGen C5774177, MONDO:0010339, OMIM 300491.

Submission:

Labcorp Genetics (formerly Invitae), Labcorp
Classification: Uncertain significance for Epilepsy, X-linked 1, with variable learning disabilities and behavior disorders. Last evaluated: 2024-11-05. Review status: criteria provided, single submitter. Criteria: Invitae Variant Classification Sherloc (09022015). Collection method: clinical testing. Allele origin: germline.
Comment: This sequence change replaces alanine, which is neutral and non-polar, with valine, which is neutral and non-polar, at codon 83 of the SYN1 protein (p.Ala83Val). This variant is not present in population databases (gnomAD no frequency). This variant has not been reported in the literature in individuals affected with SYN1-related conditions. An algorithm developed to predict the effect of missense changes on protein structure and function (PolyPhen-2) suggests that this variant is likely to be disruptive. In summary, the available evidence is currently insufficient to determine the role of this variant in disease. Therefore, it has been classified as a Variant of Uncertain Significance.

NM_006950.3(SYN1):c.248C>T (p.Ala83Val)

Gene: SYN1 (synapsin I; minus strand). Cytogenetic location: Xp11.23.
Variant type: single nucleotide variant.
Coding change: c.248C>T on transcript NM_006950.3 (MANE Select); coding-DNA position 248, C replaced by T.
Protein change: p.Ala83Val; replaces alanine 83 with valine.
Molecular consequence: missense variant.
Genome position (GRCh38, 1-based): chrX:47,619,481, G>A on the plus strand (C>T on the coding strand, the complement: SYN1 is on the minus strand). VCF-style: chrX-47619481-G-A. GRCh37 (hg19) VCF-style: chrX-47478880-G-A.
Other names: c.248C>T, p.Ala83Val (NM_133499.2); short protein forms A83V.
Identifiers: ClinVar variation 3724717 (VCV003724717.2).